The following is an entry in ClinVar:

NM_007194.4(CHEK2):c.543_549del (p.Pro182fs)

Gene: CHEK2 (checkpoint kinase 2; minus strand). Cytogenetic location: 22q12.1.
Variant type: Deletion.
Coding change: c.543_549del on transcript NM_007194.4 (MANE Select); coding-DNA positions 543 to 549, 7 bases deleted (TCCTTTG; older notation c.543_549delTCCTTTG).
Protein change: p.Pro182fs; shifts the reading frame from proline 182.
Molecular consequence: frameshift variant. On other transcripts: 5 prime UTR variant (2), intron variant (1).
Genome position (GRCh38, 1-based): chr22:28,725,020-28,725,026, CAAAGGA deleted on the plus strand (TCCTTTG on the coding strand, the reverse complement: CHEK2 is on the minus strand); deleting any 7 consecutive bases within chr22:28,725,020-28,725,027 gives the same sequence; the c. name uses the placement nearest the transcript's 3' end. VCF-style (leftmost placement, unchanged base first): chr22-28725019-TCAAAGGA-T. GRCh37 (hg19) VCF-style: chr22-29121007-TCAAAGGA-T.
Other names: c.672_678del, p.Pro225fs (NM_001005735.3, NM_001438294.1); c.-235_-229del (NM_001257387.3); c.-121_-115del (NM_001437942.1); c.636_642del, p.Pro213fs (NM_001438293.1, NM_001438295.1); c.543_549del, p.Pro182fs (NM_145862.3); c.445-103_445-97del (NM_001349956.3); short protein forms P182fs, P225fs, P213fs.
Identifiers: ClinVar variation 944177 (VCV000944177.8), dbSNP rs2053939874, ClinGen allele CA1139666371.

ClinVar aggregate classification (germline): Pathogenic (1 of 4 stars; one submission).

Conditions:
Familial cancer of breast. Also called: hereditary breast carcinoma; BREAST CANCER, FAMILIAL; Hereditary breast cancer. Identifiers: Orphanet 227535, MedGen C0346153, MONDO:0016419, OMIM 114480. Disease mechanism: loss of function.

Submission:

Labcorp Genetics (formerly Invitae), Labcorp
Classification: Pathogenic for Familial cancer of breast. Last evaluated: 2019-04-30. Review status: criteria provided, single submitter. Criteria: Invitae Variant Classification Sherloc (09022015). Collection method: clinical testing. Allele origin: germline.
Comment: This sequence change creates a premature translational stop signal (p.Pro182Ilefs*10) in the CHEK2 gene. It is expected to result in an absent or disrupted protein product. For these reasons, this variant has been classified as Pathogenic. Loss-of-function variants in CHEK2 are known to be pathogenic (PMID: 21876083, 24713400). This variant has not been reported in the literature in individuals with CHEK2-related conditions. This variant is not present in population databases (ExAC no frequency).

Literature cited by the submitters: PubMed 21876083; PubMed 24713400.